The following is an entry in ClinVar:

NM_004551.3(NDUFS3):c.381+193C>T

Gene: NDUFS3 (NADH:ubiquinone oxidoreductase core subunit S3; plus strand). Cytogenetic location: 11p11.2.
Variant type: single nucleotide variant.
Coding change: c.381+193C>T on transcript NM_004551.3 (MANE Select); 193 bases into the intron after coding-DNA position 381, C replaced by T.
Molecular consequence: intron variant.
Genome position (GRCh38, 1-based): chr11:47,581,177, C>T. VCF-style: chr11-47581177-C-T. GRCh37 (hg19) VCF-style: chr11-47602729-C-T.
Identifiers: ClinVar variation 684320 (VCV000684320.2), dbSNP rs2030166, ClinGen allele CA5977964.
Genomic context (GRCh38, chr11:47,581,177, plus strand): 5'-TAAATGGCTGTGGGACCTCAGATAACTCAAATATTTTGTTTAATTTTTTTTTTTTTTAGA[C>T]GGAATCTTGCTCTGTCGCCAGGCTGGAGTGCAGTGGCATGATCTTGGCTCACTGCAACCT-3'

ClinVar aggregate classification (germline): Benign. Review status: criteria provided, multiple submitters, no conflicts (2 of 4 stars). 2 submissions from 2 submitters: Benign (2). Last evaluated 2018-06-14.

Allele frequency attached by ClinVar (database versions not stated): 1000 Genomes Project 0.27935; 1000 Genomes Project 30x 0.28092; TOPMed 0.29835; gnomAD 0.30008 and 0.30023; gnomAD exomes 0.31949 and 0.33383; ExAC 0.36662.
gnomAD v4.1: 200,708 of 615,220 alleles (33%); highest among the groups gnomAD compares: Admixed American, 38%; 35,079 homozygotes.

Submissions (2):

GeneDx
Classification: Benign. Last evaluated: 2018-06-14. Review status: criteria provided, single submitter. Criteria: GeneDx Variant Classification (06012015). Collection method: clinical testing. Allele origin: germline. Affected: yes.
Comment: This variant is considered likely benign or benign based on one or more of the following criteria: it is a conservative change, it occurs at a poorly conserved position in the protein, it is predicted to be benign by multiple in silico algorithms, and/or has population frequency not consistent with disease.

Breakthrough Genomics
Classification: Benign. Review status: criteria provided, single submitter. Criteria: ACMG Guidelines, 2015. Collection method: not provided. Allele origin: germline. Inheritance: Autosomal recessive inheritance. Affected: yes.